The following is an entry in ClinVar:

ClinVar aggregate classification (germline): Uncertain significance. Review status: criteria provided, multiple submitters, no conflicts (2 of 4 stars). 4 submissions from 4 submitters: Uncertain significance (4). Last evaluated 2023-05-31.

Conditions:
Hereditary cancer-predisposing syndrome. Also called: Tumor predisposition; Hereditary Cancer Syndrome; Hereditary neoplastic syndrome; Neoplastic Syndromes, Hereditary. Identifiers: Orphanet 140162, MedGen C0027672, MeSH D009386, MONDO:0015356.
Familial cancer of breast. Also called: BREAST CANCER, FAMILIAL; hereditary breast carcinoma; Hereditary breast cancer. Identifiers: Orphanet 227535, MedGen C0346153, MONDO:0016419, OMIM 114480. Disease mechanism: loss of function.
Fanconi anemia complementation group J. Also called: BRIP1-Related Fanconi Anemia. Identifiers: Orphanet 84, MedGen C1836860, MONDO:0012187, OMIM 609054.

Allele frequency attached by ClinVar (database versions not stated): gnomAD exomes below 0.00001 and 0.00001; ExAC 0.00002.
gnomAD v4.1: 3 of 1,613,370 alleles (0.00019%); highest among the groups gnomAD compares: East Asian, 0.0022%; no homozygotes.

Submissions (4):

Ambry Genetics
Classification: Uncertain significance for Hereditary cancer-predisposing syndrome. Last evaluated: 2023-05-31. Review status: criteria provided, single submitter. Criteria: Ambry Variant Classification Scheme 2023. Collection method: clinical testing. Allele origin: germline.
Comment: The p.H435R variant (also known as c.1304A>G), located in coding exon 8 of the BRIP1 gene, results from an A to G substitution at nucleotide position 1304. The histidine at codon 435 is replaced by arginine, an amino acid with highly similar properties. This amino acid position is highly conserved in available vertebrate species. In addition, this alteration is predicted to be deleterious by in silico analysis. Since supporting evidence is limited at this time, the clinical significance of this alteration remains unclear.

Clinical Genetics Laboratory, Skane University Hospital Lund
Classification: Uncertain significance. Last evaluated: 2022-10-31. Review status: criteria provided, single submitter. Criteria: ACMG Guidelines, 2015. Collection method: clinical testing. Allele origin: germline. Affected: yes.

Labcorp Genetics (formerly Invitae), Labcorp
Classification: Uncertain significance for Familial cancer of breast; Fanconi anemia complementation group J. Last evaluated: 2022-10-14. Review status: criteria provided, single submitter. Criteria: Invitae Variant Classification Sherloc (09022015). Collection method: clinical testing. Allele origin: germline.
Comment: This sequence change replaces histidine, which is basic and polar, with arginine, which is basic and polar, at codon 435 of the BRIP1 protein (p.His435Arg). This variant is present in population databases (rs730881636, gnomAD 0.006%). In summary, the available evidence is currently insufficient to determine the role of this variant in disease. Therefore, it has been classified as a Variant of Uncertain Significance. Advanced modeling of protein sequence and biophysical properties (such as structural, functional, and spatial information, amino acid conservation, physicochemical variation, residue mobility, and thermodynamic stability) performed at Invitae indicates that this missense variant is expected to disrupt BRIP1 protein function. ClinVar contains an entry for this variant (Variation ID: 182348). This variant has not been reported in the literature in individuals affected with BRIP1-related conditions.

GeneDx
Classification: Uncertain significance. Last evaluated: 2021-09-06. Review status: criteria provided, single submitter. Criteria: GeneDx Variant Classification Process June 2021. Collection method: clinical testing. Allele origin: germline. Affected: yes.
Comment: Not observed at significant frequency in large population cohorts (Lek et al., 2016); In silico analysis supports that this missense variant has a deleterious effect on protein structure/function; Has not been previously published as pathogenic or benign to our knowledge

NM_032043.3(BRIP1):c.1304A>G (p.His435Arg)

Gene: BRIP1 (BRCA1 interacting DNA helicase 1; minus strand). Cytogenetic location: 17q23.2.
Variant type: single nucleotide variant.
Coding change: c.1304A>G on transcript NM_032043.3 (MANE Select); coding-DNA position 1304, A replaced by G.
Protein change: p.His435Arg; replaces histidine 435 with arginine.
Molecular consequence: missense variant.
Genome position (GRCh38, 1-based): chr17:61,799,136, T>C on the plus strand (A>G on the coding strand, the complement: BRIP1 is on the minus strand). VCF-style: chr17-61799136-T-C. GRCh37 (hg19) VCF-style: chr17-59876497-T-C.
Other names: p.H435R:CAT>CGT; short protein forms H435R.
Identifiers: ClinVar variation 182348 (VCV000182348.17), dbSNP rs730881636, ClinGen allele CA298878.